The following is an entry in ClinVar:

ClinVar aggregate classification (germline): Uncertain significance (1 of 4 stars; one submission).

Conditions:
Osteogenesis imperfecta type I (OI1). Also called: Osteogenesis imperfecta type 1; OI, TYPE I; OSTEOGENESIS IMPERFECTA TARDA; OSTEOGENESIS IMPERFECTA WITH BLUE SCLERAE; Lobstein's Disease; Lobstein disease. Identifiers: Orphanet 216796, Orphanet 666, MedGen C0023931, MONDO:0008146, OMIM 166200. Disease mechanism: loss of function.

Submission:

Labcorp Genetics (formerly Invitae), Labcorp
Classification: Uncertain significance for Osteogenesis imperfecta type I. Last evaluated: 2017-12-10. Review status: criteria provided, single submitter. Criteria: Invitae Variant Classification Sherloc (09022015). Collection method: clinical testing. Allele origin: germline.
Comment: Nucleotide substitutions within the consensus splice site are a relatively common cause of aberrant splicing (PMID: 17576681, 9536098). Algorithms developed to predict the effect of sequence changes on RNA splicing suggest that this variant may disrupt the consensus splice site, but this prediction has not been confirmed by published transcriptional studies. In summary, the available evidence is currently insufficient to determine the role of this variant in disease. Therefore, it has been classified as a Variant of Uncertain Significance. This variant has not been reported in the literature in individuals with COL1A1-related disease. This variant is not present in population databases (ExAC no frequency). This sequence change falls in intron 6 of the COL1A1 gene. It does not directly change the encoded amino acid sequence of the COL1A1 protein, but it affects a nucleotide within the consensus splice site of the intron.

Literature cited by the submitters: PubMed 17576681; PubMed 9536098.

NM_000088.4(COL1A1):c.543+4A>G

Gene: COL1A1 (collagen type I alpha 1 chain; minus strand). Cytogenetic location: 17q21.33.
Variant type: single nucleotide variant.
Coding change: c.543+4A>G on transcript NM_000088.4 (MANE Select); 4 bases into the intron after coding-DNA position 543, A replaced by G.
Molecular consequence: intron variant.
Genome position (GRCh38, 1-based): chr17:50,198,429, T>C on the plus strand (A>G on the coding strand, the complement: COL1A1 is on the minus strand). VCF-style: chr17-50198429-T-C. GRCh37 (hg19) VCF-style: chr17-48275790-T-C.
Identifiers: ClinVar variation 526862 (VCV000526862.7), dbSNP rs1555574855, ClinGen allele CA658798904.